The following is an entry in ClinVar:

ClinVar aggregate classification (germline): Uncertain significance (1 of 4 stars; one submission).

Conditions:
Ichthyosis linearis circumflexa. Identifiers: MedGen C0265962, MONDO:0043106, HP:0025810.

Submission:

Labcorp Genetics (formerly Invitae), Labcorp
Classification: Uncertain significance for Ichthyosis linearis circumflexa. Last evaluated: 2024-10-16. Review status: criteria provided, single submitter. Criteria: Invitae Variant Classification Sherloc (09022015). Collection method: clinical testing. Allele origin: germline.
Comment: This variant, c.1645_1647del, results in the deletion of 1 amino acid(s) of the SPINK5 protein (p.Glu549del), but otherwise preserves the integrity of the reading frame. This variant is not present in population databases (gnomAD no frequency). This variant has not been reported in the literature in individuals affected with SPINK5-related conditions. Experimental studies and prediction algorithms are not available or were not evaluated, and the functional significance of this variant is currently unknown. In summary, the available evidence is currently insufficient to determine the role of this variant in disease. Therefore, it has been classified as a Variant of Uncertain Significance.

NM_006846.4(SPINK5):c.1642GAA[1] (p.Glu549del)

Gene: SPINK5 (serine peptidase inhibitor Kazal type 5; plus strand). Cytogenetic location: 5q32.
Variant type: Microsatellite.
Coding change: c.1642GAA[1] on transcript NM_006846.4 (MANE Select); one copy of the 3-base unit GAA starting at c.1642; the reference has two copies in a row; one copy, 3 bases deleted.
Protein change: p.Glu549del; deletes glutamic acid 549.
Molecular consequence: inframe deletion.
Genome position (GRCh38, 1-based): chr5:148,108,790-148,108,792, GAA deleted; deleting any 3 consecutive bases within chr5:148,108,785-148,108,792 gives the same sequence; the position shown is the placement nearest the transcript's 3' end. VCF-style (leftmost placement, unchanged base first): chr5-148108784-AAAG-A. GRCh37 (hg19) VCF-style: chr5-147488347-AAAG-A.
Other names: c.1642GAA[1], p.Glu549del (NM_001127698.2, NM_001127699.2); short protein forms E549del.
Identifiers: ClinVar variation 1055134 (VCV001055134.9), dbSNP rs2113146866, ClinGen allele CA2580614765.
Genomic context (GRCh38, chr5:148,108,784, plus strand): 5'-TCAGCCTATATCTTCTTTTTCTATTACAGCAAACTTGAAGAAGAAGAGAAGAAAAATGAT[AAAG>A]AAGAAAAAGGGAAAGTCGAGGCTGAAAAAGTTAAGAGAGAAGCAGTTCAGGTAGTTGTTT-3'